The following is an entry in ClinVar:

NM_023110.3(FGFR1):c.1864C>T (p.Arg622Ter)

Gene: FGFR1 (fibroblast growth factor receptor 1; minus strand). Cytogenetic location: 8p11.23.
Variant type: single nucleotide variant.
Coding change: c.1864C>T on transcript NM_023110.3 (MANE Select); coding-DNA position 1864, C replaced by T.
Protein change: p.Arg622Ter; replaces arginine 622 with a stop codon.
Molecular consequence: nonsense.
Genome position (GRCh38, 1-based): chr8:38,414,892, G>A on the plus strand (C>T on the coding strand, the complement: FGFR1 is on the minus strand). VCF-style: chr8-38414892-G-A. GRCh37 (hg19) VCF-style: chr8-38272410-G-A.
Other names: c.1858C>T, p.Arg620Ter (NM_001174063.2, NM_001174065.2, NM_001354367.2 and 1 more transcripts); c.1834C>T, p.Arg612Ter (NM_001174064.2); c.1597C>T, p.Arg533Ter (NM_001174066.2, NM_023105.3); c.1957C>T, p.Arg653Ter (NM_001174067.2); c.1585C>T, p.Arg529Ter (NM_001354368.2); c.1852C>T, p.Arg618Ter (NM_001354369.2); c.1591C>T, p.Arg531Ter (NM_001354370.2, NM_023106.3); short protein forms R622*, R529*, R533*, R612*, R618*, R620*, R653*, R531*.
Identifiers: ClinVar variation 16282 (VCV000016282.14), dbSNP rs121909628, ClinGen allele CA185882.

ClinVar aggregate classification (germline): Pathogenic/Likely pathogenic. Review status: criteria provided, multiple submitters, no conflicts (2 of 4 stars). 10 submissions from 9 submitters: Pathogenic (6); Likely pathogenic (2). 2 of the submissions do not count toward it. Last evaluated 2025-04-09.

Conditions:
FGFR1-related disorder. Also called: FGFR1-related disorders; FGFR1-related condition. Identifiers: MedGen CN380097.
Hypogonadotropic hypogonadism. Also called: Low gonadotropins (secondary hypogonadism); Hypogonadotropic hypogonadism with or without anosmia; Hypogonadotrophic hypogonadism; Isolated hypogonadotropic hypogonadism. Identifiers: Orphanet 432, MedGen C0271623, MONDO:0018555, HP:0000044.
Pfeiffer syndrome (ACS5). Also called: ACS V. Identifiers: Orphanet 710, MedGen C0220658, MONDO:0007043, OMIM 101600.
Hypogonadotropic hypogonadism 2 with or without anosmia (HH2). Also called: FGFR1-Related GnRH Deficiency (Kallmann Syndrome 2); HYPOGONADOTROPIC HYPOGONADISM 2 WITHOUT ANOSMIA; HYPOGONADOTROPIC HYPOGONADISM 2 WITHOUT ANOSMIA, SUSCEPTIBILITY TO; HYPOGONADOTROPIC HYPOGONADISM 2 WITH OR WITHOUT ANOSMIA, SUSCEPTIBILITY TO. Identifiers: Orphanet 478, MedGen C1563720, MONDO:0007844, OMIM 147950. Disease mechanism: loss of function.
Hypogonadotropic hypogonadism 7 with or without anosmia (HH7). Also called: GNRHR-Related GnRH Deficiency; HYPOGONADOTROPIC HYPOGONADISM 7 WITHOUT ANOSMIA. Identifiers: Orphanet 432, MedGen C0342384, MONDO:0007794, OMIM 146110.
Delayed puberty. Identifiers: MedGen C0034012, HP:0000823.

Submissions (10):

NHS Central & South Genomic Laboratory Hub
Classification: Pathogenic for Hypogonadotropic hypogonadism. Last evaluated: 2025-04-09. Review status: criteria provided, single submitter. Criteria: ACMG Guidelines, 2015. Collection method: clinical testing. Allele origin: germline. Affected: yes.

GeneDx
Classification: Pathogenic. Last evaluated: 2025-04-04. Review status: criteria provided, single submitter. Criteria: GeneDx Variant Classification Process June 2021. Collection method: clinical testing. Allele origin: germline. Affected: yes.
Comment: Nonsense variant predicted to result in protein truncation or nonsense mediated decay in a gene for which loss of function is a known mechanism of disease; Not observed at significant frequency in large population cohorts (gnomAD); This variant is associated with the following publications: (PMID: 23643382, 20696889, 25525159, 15613419, 34758253, 17200176, 15365636, 17761590, 16764984, 18034870, 20389085, 21664428, 20389092, 29979396, 32853167, 33548149, 36407308, 36268624, 36531499, 38593951, 37805574, 12627230)

Labcorp Genetics (formerly Invitae), Labcorp
Classification: Pathogenic for Pfeiffer syndrome; Hypogonadotropic hypogonadism 2 with or without anosmia. Last evaluated: 2023-09-12. Review status: criteria provided, single submitter. Criteria: Invitae Variant Classification Sherloc (09022015). Collection method: clinical testing. Allele origin: germline.
Comment: For these reasons, this variant has been classified as Pathogenic. ClinVar contains an entry for this variant (Variation ID: 16282). This premature translational stop signal has been observed in individual(s) with autosomal dominant FGFR1-related conditions (PMID: 12627230, 17200176, 25636053, 32853167, 33548149). It has also been observed to segregate with disease in related individuals. This variant is not present in population databases (gnomAD no frequency). This sequence change creates a premature translational stop signal (p.Arg622*) in the FGFR1 gene. It is expected to result in an absent or disrupted protein product. Loss-of-function variants in FGFR1 are known to be pathogenic (PMID: 12627230).

Reproductive Endocrine Unit, Massachusetts General Hospital
Classification: Pathogenic for Hypogonadotropic hypogonadism 2 with or without anosmia. Last evaluated: 2023-05-04. Review status: criteria provided, single submitter. Criteria: ACMG Guidelines, 2015. Collection method: research. Allele origin: inherited, unknown. Affected: yes. Observed: 3 variant alleles.
Comment: The variant NM_023110.2:c.1864C>T, p.(Arg622*) het has been classified as P1c based on the variant meeting the following ACMG Criteria: PVS1,PM2,PP3.

Blueprint Genetics
Classification: Pathogenic for FGFR1-related disorders. Last evaluated: 2021-04-07. Review status: criteria provided, single submitter. Criteria: ACMG Guidelines, 2015. Collection method: clinical testing. Allele origin: germline. Affected: yes. Observed: 1 variant allele.

Centre of Medical Genetics, University Hospital Muenster
Classification: Pathogenic. Last evaluated: 2021-02-12. Review status: criteria provided, single submitter. Criteria: ACMG Guidelines, 2015. Collection method: clinical testing. Allele origin: unknown. Affected: yes. Observed: 1 variant allele, 1 heterozygote.
Comment: ACMG categories: PVS1,PM2,PP3,PP5

Chan Lab, Boston Children's Hospital
Classification: Likely pathogenic for Hypogonadotrophic hypogonadism. Last evaluated: 2014-11-01. Review status: criteria provided, single submitter. Criteria: Submitter's publication. Collection method: case-control. Allele origin: maternal. Affected: yes. Observed: 1 variant allele.

Chan Lab, Boston Children's Hospital
Classification: Likely pathogenic for Delayed puberty. Last evaluated: 2014-11-01. Review status: criteria provided, single submitter. Criteria: Submitter's publication. Collection method: case-control. Allele origin: paternal. Affected: yes. Observed: 2 variant alleles.

OMIM
Classification: risk factor for HYPOGONADOTROPIC HYPOGONADISM 2 WITH OR WITHOUT ANOSMIA, SUSCEPTIBILITY TO. Last evaluated: 2007-03-01. Review status: no assertion criteria provided. Collection method: literature only. Allele origin: germline. Not counted in ClinVar's aggregate classification.

Genomics England Pilot Project, Genomics England
Classification: Pathogenic for Hypogonadotropic hypogonadism 2 with or without anosmia. Review status: no assertion criteria provided. Criteria: ACGS Guidelines, 2016. Collection method: clinical testing. Allele origin: germline. Affected: yes. Not counted in ClinVar's aggregate classification.

Literature cited by the submitters: PubMed 12627230 (cited by Labcorp Genetics (formerly Invitae), Labcorp and OMIM); PubMed 17200176 (cited by Labcorp Genetics (formerly Invitae), Labcorp and OMIM); PubMed 25636053 (cited by Labcorp Genetics (formerly Invitae), Labcorp); PubMed 32853167 (cited by Labcorp Genetics (formerly Invitae), Labcorp); PubMed 33548149 (cited by Labcorp Genetics (formerly Invitae), Labcorp).